The following is an entry in ClinVar:

NM_017612.5(ZCCHC8):c.875+6A>G

Gene: ZCCHC8 (zinc finger CCHC-type containing 8; minus strand). Cytogenetic location: 12q24.31.
Variant type: single nucleotide variant.
Coding change: c.875+6A>G on transcript NM_017612.5 (MANE Select); 6 bases into the intron after coding-DNA position 875, A replaced by G.
Molecular consequence: intron variant.
Genome position (GRCh38, 1-based): chr12:122,481,939, T>C on the plus strand (A>G on the coding strand, the complement: ZCCHC8 is on the minus strand). VCF-style: chr12-122481939-T-C. GRCh37 (hg19) VCF-style: chr12-122966486-T-C.
Other names: c.161+6A>G (NM_001350938.2, NM_001350937.2); c.644+6A>G (NM_001350935.2); c.578+6A>G (NM_001350936.2).
Identifiers: ClinVar variation 4698608 (VCV004698608.1).

ClinVar aggregate classification (germline): Uncertain significance (1 of 4 stars; one submission).

gnomAD v4.1: 11 of 1,611,096 alleles (0.00068%); highest among the groups gnomAD compares: Non-Finnish European, 0.00076%; no homozygotes.

Submission:

Labcorp Genetics (formerly Invitae), Labcorp
Classification: Uncertain significance. Last evaluated: 2025-07-29. Review status: criteria provided, single submitter. Criteria: Invitae Variant Classification Sherloc (09022015). Collection method: clinical testing. Allele origin: germline.
Comment: This sequence change falls in intron 9 of the ZCCHC8 gene. It does not directly change the encoded amino acid sequence of the ZCCHC8 protein. It affects a nucleotide within the consensus splice site. This variant is present in population databases (rs199691684, gnomAD 0.002%). This variant has not been reported in the literature in individuals affected with ZCCHC8-related conditions. Variants that disrupt the consensus splice site are a relatively common cause of aberrant splicing (PMID: 17576681, 9536098). Algorithms developed to predict the effect of sequence changes on RNA splicing suggest that this variant is not likely to affect RNA splicing. In summary, the available evidence is currently insufficient to determine the role of this variant in disease. Therefore, it has been classified as a Variant of Uncertain Significance.

Literature cited by the submitters: PubMed 17576681; PubMed 9536098.